The following is an entry in ClinVar:

NM_004415.4(DSP):c.6052A>G (p.Ile2018Val)

Gene: DSP (desmoplakin; plus strand). Cytogenetic location: 6p24.3.
Variant type: single nucleotide variant.
Coding change: c.6052A>G on transcript NM_004415.4 (MANE Select); coding-DNA position 6052, A replaced by G.
Protein change: p.Ile2018Val; replaces isoleucine 2018 with valine.
Molecular consequence: missense variant.
Genome position (GRCh38, 1-based): chr6:7,583,314, A>G. VCF-style: chr6-7583314-A-G. GRCh37 (hg19) VCF-style: chr6-7583547-A-G.
Other names: c.4255A>G, p.Ile1419Val (NM_001008844.3); c.4723A>G, p.Ile1575Val (NM_001319034.2); short protein forms I1419V, I1575V, I2018V.
Identifiers: ClinVar variation 1332399 (VCV001332399.3), dbSNP rs2113699415, ClinGen allele CA362689982.

ClinVar aggregate classification (germline): Uncertain significance (1 of 4 stars; one submission).

Conditions:
Cardiomyopathy (CMYO). Also called: Cardiomyopathies. Identifiers: Orphanet 167848, MedGen C0878544, MONDO:0004994, HP:0001638. Inheritance: Various modes of inheritance.

Submission:

Color Diagnostics, LLC DBA Color Health
Classification: Uncertain significance for Cardiomyopathy. Last evaluated: 2024-03-06. Review status: criteria provided, single submitter. Criteria: ACMG Guidelines, 2015. Collection method: clinical testing. Allele origin: germline.
Comment: This missense variant replaces isoleucine with valine at codon 2018 of the DSP protein. Computational prediction suggests that this variant may not impact protein structure and function (internally defined REVEL score threshold <= 0.5, PMID: 27666373). To our knowledge, functional studies have not been reported for this variant. This variant has not been reported in individuals affected with cardiovascular disorders in the literature. This variant has not been identified in the general population by the Genome Aggregation Database (gnomAD). The available evidence is insufficient to determine the role of this variant in disease conclusively. Therefore, this variant is classified as a Variant of Uncertain Significance.